The following is an entry in ClinVar:

NM_001099922.3(ALG13):c.244+5_244+6insC

Gene: ALG13 (ALG13 UDP-N-acetylglucosaminyltransferase subunit; plus strand). Cytogenetic location: Xq23.
Variant type: Insertion.
Coding change: c.244+5_244+6insC on transcript NM_001099922.3 (MANE Select); bases 5 to 6 of the intron after coding-DNA position 244, C inserted.
Molecular consequence: intron variant. On other transcripts: frameshift variant (1).
Genome position: GRCh38 VCF-style: chrX-111682299-A-AC. GRCh37 (hg19) VCF-style: chrX-110925527-A-AC.
Other names: c.249_250insC, p.Gly84fs (NM_001324290.2); c.-69+5_-69+6insC (NM_001257237.2, NM_001324293.1, NM_001257234.2 and 6 more transcripts); c.10+64_10+65insC (NM_001257231.2, NM_001257241.3); c.244+5_244+6insC (NM_001324292.2, NM_001168385.3, NM_018466.6); c.185+64_185+65insC (NM_001039210.5); short protein forms G84fs.
Identifiers: ClinVar variation 508869 (VCV000508869.1), dbSNP rs1556445112, ClinGen allele CA658799840.
Genomic context (GRCh38, chrX:111,682,299, plus strand): 5'-CAAGGATTCCTTGAAAGAAGACATTCAGAAAGCAGATCTTGTTATTAGTCACGCAGGTAA[A>AC]GGTGCCTAAGAATCTCAGGGTTGGGTCTTTTAATTTTAATTTTTTTTAAGTTCTGGGGTA-3'

ClinVar aggregate classification (germline): Likely benign (1 of 4 stars; one submission).

Allele frequency attached by ClinVar (database versions not stated): gnomAD 0.00001; TOPMed below 0.00001.

Submission:

GeneDx
Classification: Likely benign. Last evaluated: 2017-04-13. Review status: criteria provided, single submitter. Criteria: GeneDx Variant Classification (06012015). Collection method: clinical testing. Allele origin: germline. Affected: yes.
Comment: This variant is considered likely benign or benign based on one or more of the following criteria: it is a conservative change, it occurs at a poorly conserved position in the protein, it is predicted to be benign by multiple in silico algorithms, and/or has population frequency not consistent with disease.